The following is an entry in ClinVar:

ClinVar aggregate classification (germline): Uncertain significance (1 of 4 stars; one submission).

Conditions:
Glycogen storage disease, type II (IOPD). Also called: Pompe Disease; CARDIOMEGALIA GLYCOGENICA DIFFUSA; GLYCOGENOSIS, GENERALIZED, CARDIAC FORM; GSD II; POMPE DISEASE, INFANTILE-ONSET; GLYCOGEN STORAGE DISEASE II, INFANTILE-ONSET. Identifiers: Orphanet 365, MedGen C0017921, MONDO:0009290, OMIM 232300.

Submission:

Genomenon, Inc
Classification: Uncertain significance for Glycogen storage disease, type II. Last evaluated: 2026-07-01. Review status: criteria provided, single submitter. Criteria: Genomenon Sequence Variant Interpretation Standards - Updated. Collection method: curation. Allele origin: germline.
Comment: GAA p.His606Arg (c.1817A>G) is a missense variant that changes the amino acid at codon 606 from Histidine to Arginine. This variant has been reported in the compound heterozygous and/or homozygous state in an individual without a confirmed diagnosis of Pompe disease (PMID:34852371). It is absent or not present at a significant frequency in gnomAD. In conclusion, we classify GAA p.His606Arg (c.1817A>G) as a variant of uncertain significance.

Literature cited by the submitters: PubMed 34852371.

NM_000152.5(GAA):c.1817A>G (p.His606Arg)

Gene: GAA (alpha glucosidase; plus strand). Cytogenetic location: 17q25.3.
Variant type: single nucleotide variant.
Coding change: c.1817A>G on transcript NM_000152.5 (MANE Select); coding-DNA position 1817, A replaced by G.
Protein change: p.His606Arg; replaces histidine 606 with arginine.
Molecular consequence: missense variant.
Genome position (GRCh38, 1-based): chr17:80,112,640, A>G. VCF-style: chr17-80112640-A-G. GRCh37 (hg19) VCF-style: chr17-78086439-A-G.
Other names: c.1817A>G, p.His606Arg (NM_001079803.3, NM_001079804.3, NM_001406741.1 and 1 more transcripts); short protein forms H606R.
Identifiers: ClinVar variation 4876551 (VCV004876551.1).